The following is an entry in ClinVar:

ClinVar aggregate classification (germline): Likely benign (1 of 4 stars; one submission).

Conditions:
Breast-ovarian cancer, familial, susceptibility to, 3. Also called: RAD51C-Related Breast/Ovarian Cancer. Identifiers: Orphanet 145, MedGen C3150659, MONDO:0013253, OMIM 613399.

Submission:

Myriad Genetics, Inc.
Classification: Likely benign for Breast-ovarian cancer, familial, susceptibility to, 3. Last evaluated: 2025-02-18. Review status: criteria provided, single submitter. Criteria: Myriad Autosomal Dominant, Autosomal Recessive and X-Linked Classification Criteria (2023). Collection method: clinical testing. Allele origin: unknown.
Comment: This variant is considered likely benign. This variant is intronic and is not expected to impact mRNA splicing.

NM_058216.3(RAD51C):c.405-8G>T

Gene: RAD51C (RAD51 paralog C; plus strand). Cytogenetic location: 17q22.
Variant type: single nucleotide variant.
Coding change: c.405-8G>T on transcript NM_058216.3 (MANE Select); 8 bases into the intron before coding-DNA position 405, G replaced by T.
Molecular consequence: intron variant.
Genome position (GRCh38, 1-based): chr17:58,696,685, G>T. VCF-style: chr17-58696685-G-T. GRCh37 (hg19) VCF-style: chr17-56774046-G-T.
Identifiers: ClinVar variation 3903460 (VCV003903460.1).